The following is an entry in ClinVar:

NC_000021.8:g.(?_47808637)_(47822417_?)dup

Gene: PCNT (pericentrin; plus strand). Cytogenetic location: 21q22.3.
Variant type: Duplication.
Identifiers: ClinVar variation 3248196 (VCV003248196.1).

ClinVar aggregate classification (germline): Likely pathogenic (1 of 4 stars; one submission).

Submission:

Labcorp Genetics (formerly Invitae), Labcorp
Classification: Likely pathogenic. Last evaluated: 2023-03-12. Review status: criteria provided, single submitter. Criteria: Invitae Variant Classification Sherloc (09022015). Collection method: clinical testing. Allele origin: unknown.
Comment: In summary, the currently available evidence indicates that the variant is pathogenic, but additional data are needed to prove that conclusively. Therefore, this variant has been classified as Likely Pathogenic. This variant has not been reported in the literature in individuals affected with PCNT-related conditions. This variant results in a copy number gain of the genomic region encompassing exon(s) 18-27 of the PCNT gene. While the exact position of this variant cannot be determined from the data, sub-genic copy number gains are generally in tandem (PMID: 25640679). This variant is predicted to be out-of-frame, and may result in an absent or disrupted protein product. Loss-of-function variants in PCNT are known to be pathogenic (PMID: 18174396, 22821869).

Literature cited by the submitters: PubMed 25640679; PubMed 18174396; PubMed 22821869.